The following is an entry in ClinVar:

NM_006390.4(IPO8):c.324A>G (p.Arg108=)

Gene: IPO8 (importin 8; minus strand). Cytogenetic location: 12p11.21.
Variant type: single nucleotide variant.
Coding change: c.324A>G on transcript NM_006390.4 (MANE Select); coding-DNA position 324, A replaced by G.
Protein change: p.Arg108=; no amino-acid change (arginine 108 retained).
Molecular consequence: synonymous variant.
Genome position (GRCh38, 1-based): chr12:30,681,817, T>C on the plus strand (A>G on the coding strand, the complement: IPO8 is on the minus strand). VCF-style: chr12-30681817-T-C. GRCh37 (hg19) VCF-style: chr12-30834751-T-C.
Other names: c.324A>G (NM_006390.3).
Identifiers: ClinVar variation 3025391 (VCV003025391.23), dbSNP rs774305257, ClinGen allele CA6499228.
Genomic context (GRCh38, chr12:30,681,817, plus strand): 5'-TGGCCAGTGACCAGGAAAATCATGTTTTATGATGGCACGGAGACACATTGTTAATTGGAC[T>C]CTACAAAGTAGGGAAGAAAAGTCCAAAATCTAAGTAATTATAAATACTGTGTTTCAAAGA-3'
Protein context (NP_006381.2, residues 98-118): EGIIRSPDLV[Arg108=]VQLTMCLRAI

ClinVar aggregate classification (germline): Likely benign. Review status: criteria provided, multiple submitters, no conflicts (2 of 4 stars). 2 submissions from 2 submitters: Likely benign (2). Last evaluated 2024-08-19.

Conditions:
Inborn genetic diseases. Identifiers: MedGen C0950123, MeSH D030342.

Allele frequency attached by ClinVar (database versions not stated): gnomAD exomes 0.00003; gnomAD 0.00005; ExAC 0.00009; TOPMed 0.00009.
gnomAD v4.1: 47 of 1,606,622 alleles (0.0029%); highest among the groups gnomAD compares: Middle Eastern, 0.066%; no homozygotes.

Submissions (2):

Ambry Genetics
Classification: Likely benign for Inborn genetic diseases. Last evaluated: 2024-08-19. Review status: criteria provided, single submitter. Criteria: Ambry Variant Classification Scheme 2023. Collection method: clinical testing. Allele origin: germline.

CeGaT Center for Human Genetics Tuebingen
Classification: Likely benign. Last evaluated: 2024-02-01. Review status: criteria provided, single submitter. Criteria: CeGaT Center For Human Genetics Tuebingen Variant Classification Criteria Version 2. Collection method: clinical testing. Allele origin: germline. Affected: yes. Observed: 1 variant allele.
Comment: IPO8: BP4, BP7